The following is an entry in ClinVar:

ClinVar aggregate classification (germline): Uncertain significance. Review status: criteria provided, multiple submitters, no conflicts (2 of 4 stars). 3 submissions from 3 submitters: Uncertain significance (3). Last evaluated 2024-12-27.

Conditions:
Inborn genetic diseases. Identifiers: MedGen C0950123, MeSH D030342.
Fanconi anemia (FA). Also called: Fanconi's anemia. Identifiers: Orphanet 84, MedGen C0015625, MeSH D005199, MONDO:0019391.
Fanconi anemia complementation group A (FANCA). Also called: Fanconi anemia, group A; FANCA-Related Fanconi Anemia. Identifiers: Orphanet 84, MedGen C3469521, MONDO:0009215, OMIM 227650.

Allele frequency attached by ClinVar (database versions not stated): gnomAD exomes below 0.00001; ExAC 0.00001; gnomAD 0.00002 and 0.00003; TOPMed 0.00003.
gnomAD v4.1: 6 of 1,613,954 alleles (0.00037%); highest among the groups gnomAD compares: African/African-American, 0.008%; no homozygotes.

Submissions (3):

Ambry Genetics
Classification: Uncertain significance for Inborn genetic diseases. Last evaluated: 2024-12-27. Review status: criteria provided, single submitter. Criteria: Ambry Variant Classification Scheme 2023. Collection method: clinical testing. Allele origin: germline.
Comment: The p.I525T variant (also known as c.1574T>C), located in coding exon 17 of the FANCA gene, results from a T to C substitution at nucleotide position 1574. The isoleucine at codon 525 is replaced by threonine, an amino acid with similar properties. This amino acid position is conserved. In addition, this alteration is predicted to be tolerated by in silico analysis. Based on the available evidence, the clinical significance of this variant remains unclear.

Labcorp Genetics (formerly Invitae), Labcorp
Classification: Uncertain significance for Fanconi anemia. Last evaluated: 2024-06-24. Review status: criteria provided, single submitter. Criteria: Invitae Variant Classification Sherloc (09022015). Collection method: clinical testing. Allele origin: germline.
Comment: This sequence change replaces isoleucine, which is neutral and non-polar, with threonine, which is neutral and polar, at codon 525 of the FANCA protein (p.Ile525Thr). This variant is not present in population databases (gnomAD no frequency). This variant has not been reported in the literature in individuals affected with FANCA-related conditions. ClinVar contains an entry for this variant (Variation ID: 1015635). Advanced modeling of protein sequence and biophysical properties (such as structural, functional, and spatial information, amino acid conservation, physicochemical variation, residue mobility, and thermodynamic stability) performed at Invitae indicates that this missense variant is expected to disrupt FANCA protein function with a positive predictive value of 80%. In summary, the available evidence is currently insufficient to determine the role of this variant in disease. Therefore, it has been classified as a Variant of Uncertain Significance.

Fulgent Genetics
Classification: Uncertain significance for Fanconi anemia complementation group A. Last evaluated: 2021-09-28. Review status: criteria provided, single submitter. Criteria: ACMG Guidelines, 2015. Collection method: clinical testing. Allele origin: unknown.

NM_000135.4(FANCA):c.1574T>C (p.Ile525Thr)

Gene: FANCA (FA complementation group A; minus strand). Cytogenetic location: 16q24.3.
Variant type: single nucleotide variant.
Coding change: c.1574T>C on transcript NM_000135.4 (MANE Select); coding-DNA position 1574, T replaced by C.
Protein change: p.Ile525Thr; replaces isoleucine 525 with threonine.
Molecular consequence: missense variant.
Genome position (GRCh38, 1-based): chr16:89,782,911, A>G on the plus strand (T>C on the coding strand, the complement: FANCA is on the minus strand). VCF-style: chr16-89782911-A-G. GRCh37 (hg19) VCF-style: chr16-89849319-A-G.
Other names: c.1574T>C, p.Ile525Thr (NM_001286167.3); c.1574T>C (NM_000135.2); short protein forms I525T.
Identifiers: ClinVar variation 1015635 (VCV001015635.9), dbSNP rs752323052, ClinGen allele CA8252236.